The following is an entry in ClinVar:

ClinVar aggregate classification (germline): Uncertain significance (1 of 4 stars; one submission).

Conditions:
RFT1-congenital disorder of glycosylation (CDG1N). Also called: CDG In; Congenital disorder of glycosylation type In; RFT1-CDG. Identifiers: Orphanet 244310, MedGen C2677590, MONDO:0012783, OMIM 612015.

Allele frequency attached by ClinVar (database versions not stated): TOPMed below 0.00001; ExAC 0.00001; gnomAD 0.00001.
gnomAD v4.1: 13 of 1,613,834 alleles (0.00081%); highest among the groups gnomAD compares: Admixed American, 0.0017%; no homozygotes.

Submission:

Labcorp Genetics (formerly Invitae), Labcorp
Classification: Uncertain significance for RFT1-congenital disorder of glycosylation. Last evaluated: 2022-03-20. Review status: criteria provided, single submitter. Criteria: Invitae Variant Classification Sherloc (09022015). Collection method: clinical testing. Allele origin: germline.
Comment: This sequence change replaces serine, which is neutral and polar, with leucine, which is neutral and non-polar, at codon 129 of the RFT1 protein (p.Ser129Leu). This variant is present in population databases (rs754395993, gnomAD 0.0009%). This variant has not been reported in the literature in individuals affected with RFT1-related conditions. Algorithms developed to predict the effect of missense changes on protein structure and function (SIFT, PolyPhen-2, Align-GVGD) all suggest that this variant is likely to be disruptive. In summary, the available evidence is currently insufficient to determine the role of this variant in disease. Therefore, it has been classified as a Variant of Uncertain Significance.

NM_052859.4(RFT1):c.386C>T (p.Ser129Leu)

Gene: RFT1 (RFT1 glycolipid translocator homolog; minus strand). Cytogenetic location: 3p21.1.
Variant type: single nucleotide variant.
Coding change: c.386C>T on transcript NM_052859.4 (MANE Select); coding-DNA position 386, C replaced by T.
Protein change: p.Ser129Leu; replaces serine 129 with leucine.
Molecular consequence: missense variant.
Genome position (GRCh38, 1-based): chr3:53,122,444, G>A on the plus strand (C>T on the coding strand, the complement: RFT1 is on the minus strand). VCF-style: chr3-53122444-G-A. GRCh37 (hg19) VCF-style: chr3-53156460-G-A.
Other names: short protein forms S129L.
Identifiers: ClinVar variation 1436204 (VCV001436204.5), dbSNP rs754395993, ClinGen allele CA2451463.